The following is an entry in ClinVar:

NM_006267.5(RANBP2):c.1851_1853del (p.Lys619del)

Gene: RANBP2 (RAN binding protein 2; plus strand). Cytogenetic location: 2q13.
Variant type: Deletion.
Coding change: c.1851_1853del on transcript NM_006267.5 (MANE Select); coding-DNA positions 1851 to 1853, 3 bases deleted (AAA; older notation c.1851_1853delAAA).
Protein change: p.Lys619del; deletes lysine 619.
Molecular consequence: inframe deletion.
Genome position (GRCh38, 1-based): chr2:108,753,093-108,753,095, AAA deleted; deleting any 3 consecutive bases within chr2:108,753,090-108,753,095 gives the same sequence; the c. name uses the placement nearest the transcript's 3' end. VCF-style (leftmost placement, unchanged base first): chr2-108753089-TAAA-T. GRCh37 (hg19) VCF-style: chr2-109369545-TAAA-T.
Other names: c.1851_1853del, p.Lys619del (NM_001415871.1, NM_001415873.1); c.1848_1850del, p.Lys618del (NM_001415872.1); short protein forms K618del, K619del.
Identifiers: ClinVar variation 2791317 (VCV002791317.3), dbSNP rs781235571, ClinGen allele CA1822455.

ClinVar aggregate classification (germline): Uncertain significance (1 of 4 stars; one submission).

Conditions:
Familial acute necrotizing encephalopathy (IIAE3). Also called: ENCEPHALOPATHY, ACUTE, INFECTION-INDUCED, SUSCEPTIBILITY TO, 3; Susceptibility to Acute Necrotizing Encephalopathy 1. Identifiers: Orphanet 88619, MedGen C2675556, MONDO:0011953, OMIM 608033.

Submission:

Labcorp Genetics (formerly Invitae), Labcorp
Classification: Uncertain significance for Familial acute necrotizing encephalopathy. Last evaluated: 2023-06-24. Review status: criteria provided, single submitter. Criteria: Invitae Variant Classification Sherloc (09022015). Collection method: clinical testing. Allele origin: germline.
Comment: This variant, c.1851_1853del, results in the deletion of 1 amino acid(s) of the RANBP2 protein (p.Lys619del), but otherwise preserves the integrity of the reading frame. In summary, the available evidence is currently insufficient to determine the role of this variant in disease. Therefore, it has been classified as a Variant of Uncertain Significance. Experimental studies and prediction algorithms are not available or were not evaluated, and the functional significance of this variant is currently unknown. This variant has not been reported in the literature in individuals affected with RANBP2-related conditions. The frequency data for this variant in the population databases is considered unreliable, as metrics indicate poor data quality at this position in the gnomAD database.